The following is an entry in ClinVar:

NM_000245.4(MET):c.2079T>A (p.Gly693=)

Gene: MET (MET proto-oncogene, receptor tyrosine kinase; plus strand). Cytogenetic location: 7q31.2.
Variant type: single nucleotide variant.
Coding change: c.2079T>A on transcript NM_000245.4 (MANE Select); coding-DNA position 2079, T replaced by A.
Protein change: p.Gly693=; no amino-acid change (glycine 693 retained).
Molecular consequence: synonymous variant.
Genome position (GRCh38, 1-based): chr7:116,757,751, T>A. VCF-style: chr7-116757751-T-A. GRCh37 (hg19) VCF-style: chr7-116397805-T-A.
Other names: c.2079T>A, p.Gly693= (NM_001127500.3, NM_001324401.3); c.789T>A, p.Gly263= (NM_001324402.2).
Identifiers: ClinVar variation 792211 (VCV000792211.14), dbSNP rs1584941818, ClinGen allele CA457216604.

ClinVar aggregate classification (germline): Benign/Likely benign. Review status: criteria provided, multiple submitters, no conflicts (2 of 4 stars). 3 submissions from 3 submitters: Benign (1); Likely benign (2). Last evaluated 2024-11-08.

Conditions:
Hereditary cancer-predisposing syndrome. Also called: Tumor predisposition; Hereditary neoplastic syndrome; Hereditary Cancer Syndrome; Neoplastic Syndromes, Hereditary. Identifiers: Orphanet 140162, MedGen C0027672, MeSH D009386, MONDO:0015356.
Renal cell carcinoma. Identifiers: Orphanet 217071, MedGen C0007134, MeSH D002292, MONDO:0005086, HP:0005584.
Papillary renal cell carcinoma type 1 (RCCP1). Also called: RENAL CELL CARCINOMA, PAPILLARY, 1, SOMATIC; Renal adenocarcinoma; Renal cell carcinoma 1; Renal cell carcinoma, somatic. Identifiers: Orphanet 47044, MedGen C1336839, OMIM 605074, HP:0011797.

Submissions (3):

Myriad Genetics, Inc.
Classification: Benign for Papillary renal cell carcinoma type 1. Last evaluated: 2024-11-08. Review status: criteria provided, single submitter. Criteria: Myriad Autosomal Dominant, Autosomal Recessive and X-Linked Classification Criteria (2023). Collection method: clinical testing. Allele origin: unknown.
Comment: This variant is considered benign. This variant is a silent/synonymous amino acid change and it is not expected to impact splicing.

Ambry Genetics
Classification: Likely benign for Hereditary cancer-predisposing syndrome. Last evaluated: 2022-09-24. Review status: criteria provided, single submitter. Criteria: Ambry Variant Classification Scheme 2023. Collection method: clinical testing. Allele origin: germline.

Labcorp Genetics (formerly Invitae), Labcorp
Classification: Likely benign for Renal cell carcinoma. Last evaluated: 2022-07-19. Review status: criteria provided, single submitter. Criteria: Invitae Variant Classification Sherloc (09022015). Collection method: clinical testing. Allele origin: germline.